The following is an entry in ClinVar:

NM_015450.3(POT1):c.1698C>A (p.Phe566Leu)

Gene: POT1 (protection of telomeres 1; minus strand). Cytogenetic location: 7q31.33.
Variant type: single nucleotide variant.
Coding change: c.1698C>A on transcript NM_015450.3 (MANE Select); coding-DNA position 1698, C replaced by A.
Protein change: p.Phe566Leu; replaces phenylalanine 566 with leucine.
Molecular consequence: missense variant. On other transcripts: non-coding transcript variant (3).
Genome position (GRCh38, 1-based): chr7:124,825,346, G>T on the plus strand (C>A on the coding strand, the complement: POT1 is on the minus strand). VCF-style: chr7-124825346-G-T. GRCh37 (hg19) VCF-style: chr7-124465400-G-T.
Other names: c.1305C>A, p.Phe435Leu (NM_001042594.2); short protein forms F435L, F566L.
Identifiers: ClinVar variation 3730808 (VCV003730808.2).

ClinVar aggregate classification (germline): Uncertain significance (1 of 4 stars; one submission).

Conditions:
Tumor predisposition syndrome 3 (TPDS3). Also called: Glioma susceptibility 9; LONG TELOMERE SYNDROME, POT1-RELATED; POT1 Tumor Predisposition; Melanoma, cutaneous malignant, susceptibility to, 10. Identifiers: Orphanet 618, MedGen C4014476, MONDO:0014368, OMIM 615848.

gnomAD v4.1: 1 of 1,597,546 alleles (0.000063%); highest among the groups gnomAD compares: Non-Finnish European, 0.000085%; no homozygotes.

Submission:

Labcorp Genetics (formerly Invitae), Labcorp
Classification: Uncertain significance for Tumor predisposition syndrome 3. Last evaluated: 2024-10-09. Review status: criteria provided, single submitter. Criteria: Invitae Variant Classification Sherloc (09022015). Collection method: clinical testing. Allele origin: germline.
Comment: This sequence change replaces phenylalanine, which is neutral and non-polar, with leucine, which is neutral and non-polar, at codon 566 of the POT1 protein (p.Phe566Leu). This variant is not present in population databases (gnomAD no frequency). This variant has not been reported in the literature in individuals affected with POT1-related conditions. Invitae Evidence Modeling of protein sequence and biophysical properties (such as structural, functional, and spatial information, amino acid conservation, physicochemical variation, residue mobility, and thermodynamic stability) indicates that this missense variant is not expected to disrupt POT1 protein function with a negative predictive value of 80%. In summary, the available evidence is currently insufficient to determine the role of this variant in disease. Therefore, it has been classified as a Variant of Uncertain Significance.